The following is an entry in ClinVar:

ClinVar aggregate classification (germline): Uncertain significance (1 of 4 stars; one submission).

Submission:

Institute for Clinical Genetics, University Hospital TU Dresden, University Hospital TU Dresden
Classification: Uncertain significance. Last evaluated: 2023-06-05. Review status: criteria provided, single submitter. Criteria: ACMG Guidelines, 2015. Collection method: clinical testing. Allele origin: germline.
Comment: PP3, PM1, PM2_SUP

NM_021728.4(OTX2):c.145G>A (p.Glu49Lys)

Gene: OTX2 (orthodenticle homeobox 2; minus strand). Cytogenetic location: 14q22.3.
Variant type: single nucleotide variant.
Coding change: c.145G>A on transcript NM_021728.4 (MANE Select); coding-DNA position 145, G replaced by A.
Protein change: p.Glu49Lys; replaces glutamic acid 49 with lysine.
Molecular consequence: missense variant.
Genome position (GRCh38, 1-based): chr14:56,804,316, C>T on the plus strand (G>A on the coding strand, the complement: OTX2 is on the minus strand). VCF-style: chr14-56804316-C-T. GRCh37 (hg19) VCF-style: chr14-57271034-C-T.
Other names: c.121G>A, p.Glu41Lys (NM_001270523.2, NM_001270524.2, NM_172337.3); c.145G>A, p.Glu49Lys (NM_001270525.2); short protein forms E41K, E49K.
Identifiers: ClinVar variation 2576151 (VCV002576151.1), dbSNP rs2503908115, ClinGen allele CA390052518.
Genomic context (GRCh38, chr14:56,804,316, plus strand): 5'-GGGTCTTGGCAAACAGTGCTTCCAGCACATCTAGCTGCGCCCGAGTGAACGTCGTCCTCT[C>T]CCGGCGCTGTTTCCGGGGGGTGGCTGCGGGACAAGAAGCCCAGGGCCCTTTAGGGTGGGG-3'
Protein context (NP_068374.1, residues 39-59): PAATPRKQRR[Glu49Lys]RTTFTRAQLD